The following is an entry in ClinVar:

ClinVar aggregate classification (germline): Likely pathogenic (1 of 4 stars; one submission).

Submission:

Labcorp Genetics (formerly Invitae), Labcorp
Classification: Likely pathogenic. Last evaluated: 2025-10-15. Review status: criteria provided, single submitter. Criteria: Invitae Variant Classification Sherloc (09022015). Collection method: clinical testing. Allele origin: germline.
Comment: This sequence change falls in intron 64 of the COL7A1 gene. It does not directly change the encoded amino acid sequence of the COL7A1 protein. It affects a nucleotide within the consensus splice site. This variant is not present in population databases (gnomAD no frequency). This variant has been observed in individual(s) with clinical features of autosomal recessive COL7A1-related conditions (PMID: 27899325). This variant is also known as c.5532+1_+4delGTGA. Variants that disrupt the consensus splice site are a relatively common cause of aberrant splicing (PMID: 17576681, 9536098). Algorithms developed to predict the effect of sequence changes on RNA splicing suggest that this variant may disrupt the consensus splice site. In summary, the currently available evidence indicates that the variant is pathogenic, but additional data are needed to prove that conclusively. Therefore, this variant has been classified as Likely Pathogenic.

Literature cited by the submitters: PubMed 27899325; PubMed 17576681; PubMed 9536098.

NM_000094.4(COL7A1):c.5532+4_5532+7del

Gene: COL7A1 (collagen type VII alpha 1 chain; minus strand). Cytogenetic location: 3p21.31.
Variant type: Deletion.
Coding change: c.5532+4_5532+7del on transcript NM_000094.4 (MANE Select); bases 4 to 7 of the intron after coding-DNA position 5532, 4 bases deleted (AGTG; older notation c.5532+4_5532+7delAGTG).
Molecular consequence: splice donor variant.
Genome position (GRCh38, 1-based): chr3:48,578,314-48,578,317, CACT deleted on the plus strand (AGTG on the coding strand, the reverse complement: COL7A1 is on the minus strand); deleting any 4 consecutive bases within chr3:48,578,314-48,578,320 gives the same sequence; the c. name uses the placement nearest the transcript's 3' end. VCF-style (leftmost placement, unchanged base first): chr3-48578313-ACACT-A. GRCh37 (hg19) VCF-style: chr3-48615746-ACACT-A.
Identifiers: ClinVar variation 4747293 (VCV004747293.1).
Genomic context (GRCh38, chr3:48,578,313, plus strand): 5'-ATCTTGGCTGTGTAGGTGTGCTGGCGTTTCTTGGCAGGTTTCGCCGCAGCTGCCCTGGAC[ACACT>A]CACGTTTTTTCCATTCAGGCCAGGTTTGCCATCCTCGCCTGGCTTTCCCTGTGGGAACAG-3'